The following is an entry in ClinVar:

ClinVar aggregate classification (germline): Uncertain significance (1 of 4 stars; one submission).

Allele frequency attached by ClinVar (database versions not stated): gnomAD exomes below 0.00001; TOPMed below 0.00001.
gnomAD v4.1: 2 of 1,613,768 alleles (0.00012%); highest among the groups gnomAD compares: Non-Finnish European, 0.00017%; no homozygotes.

Submission:

Laboratory for Molecular Medicine, Mass General Brigham Personalized Medicine
Classification: Uncertain significance. Last evaluated: 2017-01-11. Review status: criteria provided, single submitter. Criteria: LMM Criteria. Collection method: clinical testing. Allele origin: germline. Observed: 1 variant allele.
Comment: The p.Asn4007Ser variant in TTN has not been previously reported in individuals with cardiomyopathy and was absent from large population studies. Computational prediction tools and conservation analysis suggest that the variant may not impa ct the protein, though this information is not predictive enough to rule out pat hogenicity. In summary, the clinical significance of the p.Asn4007Ser variant is uncertain.

NM_001267550.2(TTN):c.12734A>G (p.Asn4245Ser)

Gene: TTN (titin; minus strand). Cytogenetic location: 2q31.2.
Variant type: single nucleotide variant.
Coding change: c.12734A>G on transcript NM_001267550.2 (MANE Select); coding-DNA position 12734, A replaced by G.
Protein change: p.Asn4245Ser; replaces asparagine 4245 with serine.
Molecular consequence: missense variant. On other transcripts: intron variant (1).
Genome position (GRCh38, 1-based): chr2:178,740,499, T>C on the plus strand (A>G on the coding strand, the complement: TTN is on the minus strand). VCF-style: chr2-178740499-T-C. GRCh37 (hg19) VCF-style: chr2-179605226-T-C.
Other names: c.12020A>G, p.Asn4007Ser (NM_133432.3); c.11783A>G, p.Asn3928Ser (NM_001256850.1); c.11645A>G, p.Asn3882Ser (NM_003319.4); c.12221A>G, p.Asn4074Ser (NM_133437.4); c.10361-2139A>G (NM_133378.4); short protein forms N4007S, N4245S, N3882S, N3928S, N4074S.
Identifiers: ClinVar variation 505586 (VCV000505586.5), dbSNP rs879167134, ClinGen allele CA60984103.